The following is an entry in ClinVar:

NM_198506.5(LRIT3):c.117G>A (p.Arg39=)

Gene: LRIT3 (leucine rich repeat, Ig-like and transmembrane domains 3; plus strand). Cytogenetic location: 4q25.
Variant type: single nucleotide variant.
Coding change: c.117G>A on transcript NM_198506.5 (MANE Select); coding-DNA position 117, G replaced by A.
Protein change: p.Arg39=; no amino-acid change (arginine 39 retained).
Molecular consequence: synonymous variant.
Genome position (GRCh38, 1-based): chr4:109,851,504, G>A. VCF-style: chr4-109851504-G-A. GRCh37 (hg19) VCF-style: chr4-110772660-G-A.
Identifiers: ClinVar variation 1503200 (VCV001503200.9), dbSNP rs370774367, ClinGen allele CA3042966.

ClinVar aggregate classification (germline): Uncertain significance. Review status: criteria provided, multiple submitters, no conflicts (2 of 4 stars). 2 submissions from 2 submitters: Uncertain significance (2). Last evaluated 2025-08-09.

Allele frequency attached by ClinVar (database versions not stated): gnomAD exomes 0.00001 and 0.00003; ExAC 0.00007; gnomAD 0.00012 and 0.00013; TOPMed 0.00014.
gnomAD v4.1: 44 of 1,527,398 alleles (0.0029%); highest among the groups gnomAD compares: African/African-American, 0.048%; no homozygotes.

Submissions (2):

Labcorp Genetics (formerly Invitae), Labcorp
Classification: Uncertain significance. Last evaluated: 2025-08-09. Review status: criteria provided, single submitter. Criteria: Invitae Variant Classification Sherloc (09022015). Collection method: clinical testing. Allele origin: germline.
Comment: This sequence change affects codon 39 of the LRIT3 mRNA. It is a 'silent' change, meaning that it does not change the encoded amino acid sequence of the LRIT3 protein. It affects a nucleotide within the consensus splice site. This variant is present in population databases (rs370774367, gnomAD 0.05%). This variant has not been reported in the literature in individuals affected with LRIT3-related conditions. ClinVar contains an entry for this variant (Variation ID: 1503200). Algorithms developed to predict the effect of sequence changes on RNA splicing suggest that this variant is not likely to affect RNA splicing. In summary, the available evidence is currently insufficient to determine the role of this variant in disease. Therefore, it has been classified as a Variant of Uncertain Significance.

Blueprint Genetics
Classification: Uncertain significance. Last evaluated: 2018-10-18. Review status: criteria provided, single submitter. Criteria: ACMG Guidelines, 2015. Collection method: clinical testing. Allele origin: germline.